The following is an entry in ClinVar:

ClinVar aggregate classification (germline): Uncertain significance. Review status: criteria provided, multiple submitters, no conflicts (2 of 4 stars). 2 submissions from 2 submitters: Uncertain significance (2). Last evaluated 2026-01-09.

Conditions:
Epileptic encephalopathy. Identifiers: MedGen C0543888, HP:0200134.

Allele frequency attached by ClinVar (database versions not stated): gnomAD 0.00001; gnomAD exomes 0.00004 and 0.00007; TOPMed 0.00005; ExAC 0.00007.
gnomAD v4.1: 65 of 1,600,180 alleles (0.0041%); highest among the groups gnomAD compares: South Asian, 0.013%; no homozygotes.

Submissions (2):

Labcorp Genetics (formerly Invitae), Labcorp
Classification: Uncertain significance for Epileptic encephalopathy. Last evaluated: 2026-01-09. Review status: criteria provided, single submitter. Criteria: Invitae Variant Classification Sherloc (09022015). Collection method: clinical testing. Allele origin: germline.
Comment: This sequence change replaces arginine, which is basic and polar, with histidine, which is basic and polar, at codon 422 of the FASN protein (p.Arg422His). This variant is present in population databases (rs759242677, gnomAD 0.02%). This variant has not been reported in the literature in individuals affected with FASN-related conditions. ClinVar contains an entry for this variant (Variation ID: 1040029). An algorithm developed to predict the effect of missense changes on protein structure and function outputs the following: PolyPhen-2: "Benign". The histidine amino acid residue is found in multiple mammalian species, which suggests that this missense change does not adversely affect protein function. In summary, the available evidence is currently insufficient to determine the role of this variant in disease. Therefore, it has been classified as a Variant of Uncertain Significance.

Ambry Genetics
Classification: Uncertain significance. Last evaluated: 2024-10-09. Review status: criteria provided, single submitter. Criteria: Ambry Variant Classification Scheme 2023. Collection method: clinical testing. Allele origin: germline.

NM_004104.5(FASN):c.1265G>A (p.Arg422His)

Gene: FASN (fatty acid synthase; minus strand). Cytogenetic location: 17q25.3.
Variant type: single nucleotide variant.
Coding change: c.1265G>A on transcript NM_004104.5 (MANE Select); coding-DNA position 1265, G replaced by A.
Protein change: p.Arg422His; replaces arginine 422 with histidine.
Molecular consequence: missense variant.
Genome position (GRCh38, 1-based): chr17:82,091,449, C>T on the plus strand (G>A on the coding strand, the complement: FASN is on the minus strand). VCF-style: chr17-82091449-C-T. GRCh37 (hg19) VCF-style: chr17-80049325-C-T.
Other names: c.1265G>A (NM_004104.4); short protein forms R422H.
Identifiers: ClinVar variation 1040029 (VCV001040029.9), dbSNP rs759242677, ClinGen allele CA8853211.
Genomic context (GRCh38, chr17:82,091,449, plus strand): 5'-AGGCCCTGCTCCAGCAGCTTCTGCACGGCCTCAGGGGTGCGTCCGCTGGCCCGCAGCAGA[C>T]GGGGCAGGGTGGCATGTGGGGCGGGTGCGGGGGGCGGCTGCGTGTTGGGCCTCAGGATGA-3'
Protein context (NP_004095.4, residues 412-432): PAPAPHATLP[Arg422His]LLRASGRTPE